The following is an entry in ClinVar:

ClinVar aggregate classification (germline): Uncertain significance. Review status: criteria provided, multiple submitters, no conflicts (2 of 4 stars). 2 submissions from 2 submitters: Uncertain significance (2). Last evaluated 2025-04-19.

Conditions:
DiGeorge syndrome. Also called: Catch22; THIRD AND FOURTH PHARYNGEAL POUCH SYNDROME. Identifiers: Orphanet 567, MedGen C0012236, MONDO:0008564, OMIM 188400.

Allele frequency attached by ClinVar (database versions not stated): gnomAD exomes below 0.00001; TOPMed below 0.00001; gnomAD 0.00001.

Submissions (2):

Labcorp Genetics (formerly Invitae), Labcorp
Classification: Uncertain significance for DiGeorge syndrome. Last evaluated: 2025-04-19. Review status: criteria provided, single submitter. Criteria: Invitae Variant Classification Sherloc (09022015). Collection method: clinical testing. Allele origin: germline.
Comment: This variant, c.1381_1419del, results in the deletion of 13 amino acid(s) of the TBX1 protein (p.Pro461_Ala473del), but otherwise preserves the integrity of the reading frame. This variant is not present in population databases (gnomAD no frequency). This variant has not been reported in the literature in individuals affected with TBX1-related conditions. ClinVar contains an entry for this variant (Variation ID: 836094). Experimental studies and prediction algorithms are not available or were not evaluated, and the functional significance of this variant is currently unknown. In summary, the available evidence is currently insufficient to determine the role of this variant in disease. Therefore, it has been classified as a Variant of Uncertain Significance.

Greenwood Genetic Center Diagnostic Laboratories, Greenwood Genetic Center
Classification: Uncertain significance. Last evaluated: 2022-06-29. Review status: criteria provided, single submitter. Criteria: ACMG Guidelines, 2015. Collection method: clinical testing. Allele origin: germline. Affected: yes.
Comment: PM2

NM_001379200.1(TBX1):c.1408_1446del (p.Pro470_Ala482del)

Gene: TBX1 (T-box transcription factor 1; plus strand). Cytogenetic location: 22q11.21.
Variant type: Deletion.
Coding change: c.1408_1446del on transcript NM_001379200.1 (MANE Select); coding-DNA positions 1408 to 1446, 39 bases deleted.
Protein change: p.Pro470_Ala482del.
Molecular consequence: inframe deletion. On other transcripts: intron variant (2).
Genome position (GRCh38, 1-based): chr22:19,766,760-19,766,798, 39 bases deleted. GRCh37 (hg19): chr22:19,754,283-19,754,321.
Other names: c.1381_1419del, p.Pro461_Ala473del (NM_080647.1); c.1009+758_1009+796del (NM_005992.1, NM_080646.2).
Identifiers: ClinVar variation 836094 (VCV000836094.12), dbSNP rs1238730283, ClinGen allele CA638504364.